The following is an entry in ClinVar:

ClinVar aggregate classification (germline): Benign/Likely benign. Review status: criteria provided, multiple submitters, no conflicts (2 of 4 stars). 6 submissions from 5 submitters: Benign (4); Likely benign (2). Last evaluated 2018-01-13.

Conditions:
Muscular dystrophy-dystroglycanopathy (congenital with brain and eye anomalies), type A6. Also called: WALKER-WARBURG SYNDROME OR MUSCLE-EYE-BRAIN DISEASE, LARGE-RELATED; MUSCULAR DYSTROPHY-DYSTROGLYCANOPATHY (CONGENITAL WITH BRAIN AND EYE ANOMALIES), TYPE A, 6. Identifiers: Orphanet 588, Orphanet 899, MedGen C3150414, MONDO:0013158, OMIM 613154.
Muscular dystrophy-dystroglycanopathy type B6 (MDDGB6). Also called: MUSCULAR DYSTROPHY-DYSTROGLYCANOPATHY (CONGENITAL WITH IMPAIRED INTELLECTUAL DEVELOPMENT), TYPE B, 6; MUSCULAR DYSTROPHY, CONGENITAL, LARGE-RELATED; MUSCULAR DYSTROPHY, CONGENITAL, TYPE 1D. Identifiers: MedGen C1837229, MONDO:0012138, OMIM 608840.

Allele frequency attached by ClinVar (database versions not stated): ESP Exome Variant Server 0.00008; gnomAD 0.00694 and 0.00727; TOPMed 0.01089; 1000 Genomes Project 0.01318; 1000 Genomes Project 30x 0.01421.
gnomAD v4.1: 5,707 of 1,552,466 alleles (0.37%); highest among the groups gnomAD compares: Admixed American, 6.4%; 166 homozygotes.

Submissions (6):

Illumina Laboratory Services, Illumina
Classification: Benign for Muscular dystrophy-dystroglycanopathy type B6. Last evaluated: 2018-01-13. Review status: criteria provided, single submitter. Criteria: ICSL Variant Classification Criteria 13 December 2019. Collection method: clinical testing. Allele origin: germline.
Comment: This variant was observed in the ICSL laboratory as part of a predisposition screen in an ostensibly healthy population. It had not been previously curated by ICSL or reported in the Human Gene Mutation Database (HGMD: prior to June 1st, 2018), and was therefore a candidate for classification through an automated scoring system. Utilizing variant allele frequency, disease prevalence and penetrance estimates, and inheritance mode, an automated score was calculated to assess if this variant is too frequent to cause the disease. Based on the score and internal cut-off values, a variant classified as benign is not then subjected to further curation. The score for this variant resulted in a classification of benign for this disease.

Illumina Laboratory Services, Illumina
Classification: Benign for Muscular dystrophy-dystroglycanopathy (congenital with brain and eye anomalies), type A6. Last evaluated: 2018-01-13. Review status: criteria provided, single submitter. Criteria: ICSL Variant Classification Criteria 13 December 2019. Collection method: clinical testing. Allele origin: germline.
Comment: the same text as in the submission from Illumina Laboratory Services, Illumina above.

GeneDx
Classification: Benign. Last evaluated: 2015-03-03. Review status: criteria provided, single submitter. Criteria: GeneDx Variant Classification Process June 2021. Collection method: clinical testing. Allele origin: germline. Affected: yes.

Eurofins Ntd Llc (ga)
Classification: Benign. Last evaluated: 2012-11-15. Review status: criteria provided, single submitter. Criteria: EGL Classification Definitions 2015. Collection method: clinical testing. Allele origin: germline. Observed: 1 variant allele, 1 heterozygote.

Breakthrough Genomics
Classification: Likely benign. Review status: criteria provided, single submitter. Criteria: ACMG Guidelines, 2015. Collection method: not provided. Allele origin: germline. Inheritance: Autosomal recessive inheritance. Affected: yes.

PreventionGenetics, part of Exact Sciences
Classification: Likely benign. Review status: criteria provided, single submitter. Criteria: ACMG Guidelines, 2015. Collection method: clinical testing. Allele origin: germline.

NM_133642.5(LARGE1):c.-31G>A

Gene: LARGE1 (LARGE xylosyl- and glucuronyltransferase 1; minus strand). Cytogenetic location: 22q12.3.
Variant type: single nucleotide variant.
Coding change: c.-31G>A on transcript NM_133642.5 (MANE Select); 31 bases upstream of the start codon, G replaced by A.
Molecular consequence: 5 prime UTR variant.
Genome position (GRCh38, 1-based): chr22:33,761,507, C>T on the plus strand (G>A on the coding strand, the complement: LARGE1 is on the minus strand). VCF-style: chr22-33761507-C-T. GRCh37 (hg19) VCF-style: chr22-34157494-C-T.
Other names: c.-31G>A (NM_001362949.2, NM_001362951.2, NM_001362953.2 and 7 more transcripts).
Identifiers: ClinVar variation 95159 (VCV000095159.14), dbSNP rs117199378, ClinGen allele CA148280.
Genomic context (GRCh38, chr22:33,761,507, plus strand): 5'-TTTCCGTCTCCCCCTGCAGATTCCCAGCATCCTCTCAGAAGTGGCAATCCCTAATCCCAG[C>T]GCCGTTTCTCTGTCCGGAGCATGAAGTCCTCGGCCTCCCTCATAATACTCTCTGAAAGGA-3'